The following is an entry in ClinVar:

NM_024753.5(TTC21B):c.1386+15G>A

Gene: TTC21B (tetratricopeptide repeat domain 21B; minus strand). Cytogenetic location: 2q24.3.
Variant type: single nucleotide variant.
Coding change: c.1386+15G>A on transcript NM_024753.5 (MANE Select); 15 bases into the intron after coding-DNA position 1386, G replaced by A.
Molecular consequence: intron variant.
Genome position (GRCh38, 1-based): chr2:165,929,120, C>T on the plus strand (G>A on the coding strand, the complement: TTC21B is on the minus strand). VCF-style: chr2-165929120-C-T. GRCh37 (hg19) VCF-style: chr2-166785630-C-T.
Identifiers: ClinVar variation 261766 (VCV000261766.10), dbSNP rs201281283, ClinGen allele CA1942160.
Genomic context (GRCh38, chr2:165,929,120, plus strand): 5'-CAAAGAAAACTTTTAAGTTCTTTCATAAAACATCAAGTAAACGCATCCTTGAAAGTAAGT[C>T]CCATAATTACTTACCTGCATTGGACAGAAGCTCAGATACTCCATAACAATTTCTAACAAG-3'

ClinVar aggregate classification (germline): Likely benign. Review status: criteria provided, multiple submitters, no conflicts (2 of 4 stars). 4 submissions from 4 submitters: Likely benign (4). Last evaluated 2025-11-11.

Conditions:
Jeune thoracic dystrophy. Also called: Jeune syndrome; Infantile thoracic dystrophy; Thoracic pelvic phalangeal dystrophy; Jeune's syndrome; Chondroectodermal dysplasia-like syndrome; Short-rib thoracic dysplasia. Identifiers: Orphanet 474, MedGen C0265275, MONDO:0018770.
Nephronophthisis. Also called: Juvenile Nephronophthisis. Identifiers: Orphanet 655, MedGen C0687120, MONDO:0019005, HP:0000090.
Asphyxiating thoracic dystrophy 4 (SRTD4). Also called: SHORT-RIB THORACIC DYSPLASIA 4; SHORT-RIB THORACIC DYSPLASIA 4 WITH OR WITHOUT POLYDACTYLY. Identifiers: Orphanet 474, MedGen C3151185, MONDO:0013441, OMIM 613819.
Nephronophthisis 12 (NPHP12). Identifiers: Orphanet 655, MedGen C3151186, MONDO:0013442, OMIM 613820.

Allele frequency attached by ClinVar (database versions not stated): gnomAD 0.00002 and 0.00001; 1000 Genomes Project 30x 0.00016; gnomAD exomes 0.00002 and 0.00003; TOPMed 0.00002; ExAC 0.00003; 1000 Genomes Project 0.00020.
gnomAD v4.1: 35 of 1,607,384 alleles (0.0022%); highest among the groups gnomAD compares: Middle Eastern, 0.066%; no homozygotes.

Submissions (4):

Labcorp Genetics (formerly Invitae), Labcorp
Classification: Likely benign for Jeune thoracic dystrophy; Nephronophthisis. Last evaluated: 2025-11-11. Review status: criteria provided, single submitter. Criteria: Invitae Variant Classification Sherloc (09022015). Collection method: clinical testing. Allele origin: germline.

Fulgent Genetics
Classification: Likely benign for Asphyxiating thoracic dystrophy 4; Nephronophthisis 12. Last evaluated: 2021-08-13. Review status: criteria provided, single submitter. Criteria: ACMG Guidelines, 2015. Collection method: clinical testing. Allele origin: unknown.

GeneDx
Classification: Likely benign. Last evaluated: 2018-04-04. Review status: criteria provided, single submitter. Criteria: GeneDx Variant Classification (06012015). Collection method: clinical testing. Allele origin: germline. Affected: yes.
Comment: This variant is considered likely benign or benign based on one or more of the following criteria: it is a conservative change, it occurs at a poorly conserved position in the protein, it is predicted to be benign by multiple in silico algorithms, and/or has population frequency not consistent with disease.

PreventionGenetics, part of Exact Sciences
Classification: Likely benign. Review status: criteria provided, single submitter. Criteria: ACMG Guidelines, 2015. Collection method: clinical testing. Allele origin: germline.